The following is an entry in ClinVar:

NM_000493.4(COL10A1):c.656T>C (p.Val219Ala)

Genes: COL10A1 (collagen type X alpha 1 chain; minus strand), NT5DC1 (5'-nucleotidase domain containing 1; plus strand). Cytogenetic location: 6q22.1.
Variant type: single nucleotide variant.
Coding change: c.656T>C on transcript NM_000493.4 (MANE Select); coding-DNA position 656, T replaced by C.
Protein change: p.Val219Ala; replaces valine 219 with alanine.
Molecular consequence: missense variant. On other transcripts: intron variant (1).
Genome position (GRCh38, 1-based): chr6:116,121,460, A>G on the plus strand (T>C on the coding strand, the complement: COL10A1 is on the minus strand). VCF-style: chr6-116121460-A-G. GRCh37 (hg19) VCF-style: chr6-116442623-A-G.
Other names: c.656T>C, p.Val219Ala (NM_001424106.1, NM_001424107.1); c.529+3515A>G (NM_152729.3); short protein forms V219A.
Identifiers: ClinVar variation 3341615 (VCV003341615.16).

ClinVar aggregate classification (germline): Likely benign (1 of 4 stars; one submission).

gnomAD v4.1: 23 of 1,611,466 alleles (0.0014%); highest among the groups gnomAD compares: Middle Eastern, 0.033%; no homozygotes.

Submission:

CeGaT Center for Human Genetics Tuebingen
Classification: Likely benign. Last evaluated: 2024-07-01. Review status: criteria provided, single submitter. Criteria: CeGaT Center For Human Genetics Tuebingen Variant Classification Criteria Version 2. Collection method: clinical testing. Allele origin: germline. Affected: yes. Observed: 1 variant allele.
Comment: COL10A1: BP4